The following is an entry in ClinVar:

ClinVar aggregate classification (germline): Uncertain significance (1 of 4 stars; one submission).

gnomAD v4.1: 8 of 1,613,416 alleles (0.0005%); highest among the groups gnomAD compares: South Asian, 0.0011%; no homozygotes.

Submission:

Labcorp Genetics (formerly Invitae), Labcorp
Classification: Uncertain significance. Last evaluated: 2022-03-10. Review status: criteria provided, single submitter. Criteria: Invitae Variant Classification Sherloc (09022015). Collection method: clinical testing. Allele origin: germline.
Comment: This sequence change replaces glutamine, which is neutral and polar, with leucine, which is neutral and non-polar, at codon 734 of the ADAM9 protein (p.Gln734Leu). In summary, the available evidence is currently insufficient to determine the role of this variant in disease. Therefore, it has been classified as a Variant of Uncertain Significance. Algorithms developed to predict the effect of missense changes on protein structure and function are either unavailable or do not agree on the potential impact of this missense change (SIFT: "Deleterious"; PolyPhen-2: "Benign"; Align-GVGD: "Class C0"). This variant has not been reported in the literature in individuals affected with ADAM9-related conditions. This variant is present in population databases (rs757918348, gnomAD 0.003%).

NM_003816.3(ADAM9):c.2201A>T (p.Gln734Leu)

Gene: ADAM9 (ADAM metallopeptidase domain 9; plus strand). Cytogenetic location: 8p11.22.
Variant type: single nucleotide variant.
Coding change: c.2201A>T on transcript NM_003816.3 (MANE Select); coding-DNA position 2201, A replaced by T.
Protein change: p.Gln734Leu; replaces glutamine 734 with leucine.
Molecular consequence: missense variant. On other transcripts: non-coding transcript variant (2).
Genome position (GRCh38, 1-based): chr8:39,090,179, A>T. VCF-style: chr8-39090179-A-T. GRCh37 (hg19) VCF-style: chr8-38947698-A-T.
Other names: short protein forms Q734L.
Identifiers: ClinVar variation 1493805 (VCV001493805.8), dbSNP rs757918348, ClinGen allele CA4721825.